The following is an entry in ClinVar:

ClinVar aggregate classification (germline): Uncertain significance (1 of 4 stars; one submission).

Conditions:
Alstrom syndrome (ALMS). Identifiers: Orphanet 64, MedGen C0268425, MONDO:0008763, OMIM 203800.

Submission:

Labcorp Genetics (formerly Invitae), Labcorp
Classification: Uncertain significance for Alstrom syndrome. Last evaluated: 2025-01-06. Review status: criteria provided, single submitter. Criteria: Invitae Variant Classification Sherloc (09022015). Collection method: clinical testing. Allele origin: germline.
Comment: This sequence change replaces leucine, which is neutral and non-polar, with arginine, which is basic and polar, at codon 6 of the ALMS1 protein (p.Leu6Arg). This variant is not present in population databases (gnomAD no frequency). This variant has not been reported in the literature in individuals affected with ALMS1-related conditions. Experimental studies and prediction algorithms are not available or were not evaluated, and the functional significance of this variant is currently unknown. In summary, the available evidence is currently insufficient to determine the role of this variant in disease. Therefore, it has been classified as a Variant of Uncertain Significance.

NM_001378454.1(ALMS1):c.17T>G (p.Leu6Arg)

Gene: ALMS1 (ALMS1 centrosome and basal body associated protein; plus strand). Cytogenetic location: 2p13.1.
Variant type: single nucleotide variant.
Coding change: c.17T>G on transcript NM_001378454.1 (MANE Select); coding-DNA position 17, T replaced by G.
Protein change: p.Leu6Arg; replaces leucine 6 with arginine.
Molecular consequence: missense variant.
Genome position (GRCh38, 1-based): chr2:73,385,885, T>G. VCF-style: chr2-73385885-T-G. GRCh37 (hg19) VCF-style: chr2-73613013-T-G.
Other names: c.17T>G, p.Leu6Arg (NM_015120.4); short protein forms L6R.
Identifiers: ClinVar variation 3686538 (VCV003686538.2).
Genomic context (GRCh38, chr2:73,385,885, plus strand): 5'-CCCCCCTCCTCCTCCTCCTCTGCCGCCCAGAGCGAGACACCAACATGGAGCCCGAGGATC[T>G]GCCATGGCCGGGCGAGCTGGAGGAGGAGGAGGAGGAGGAGGAGGAGGAGGAGGAGGAAGA-3'
Protein context (NP_001365383.1, residues 1-16): MEPED[Leu6Arg]PWPGELEEEE